The following is an entry in ClinVar:

ClinVar aggregate classification (germline): Uncertain significance. Review status: criteria provided, multiple submitters, no conflicts (2 of 4 stars). 3 submissions from 3 submitters: Uncertain significance (2). 1 of the submissions does not count toward it. Last evaluated 2026-06-16.

Conditions:
Retinal dystrophy. Also called: Inherited retinal dystrophy. Identifiers: Orphanet 71862, MedGen C0854723, MeSH D058499, MONDO:0019118, HP:0000556.
Inborn genetic diseases. Identifiers: MedGen C0950123, MeSH D030342.

gnomAD v4.1: 11 of 1,184,049 alleles (0.00093%); highest among the groups gnomAD compares: Admixed American, 0.0024%; no homozygotes.

Submissions (3):

Ambry Genetics
Classification: Uncertain significance for Inborn genetic diseases. Last evaluated: 2026-06-16. Review status: criteria provided, single submitter. Criteria: Ambry Variant Classification Scheme 2023. Collection method: clinical testing. Allele origin: germline.

Labcorp Genetics (formerly Invitae), Labcorp
Classification: Uncertain significance. Last evaluated: 2024-11-11. Review status: criteria provided, single submitter. Criteria: Invitae Variant Classification Sherloc (09022015). Collection method: clinical testing. Allele origin: germline.
Comment: This sequence change replaces arginine, which is basic and polar, with glutamine, which is neutral and polar, at codon 972 of the CACNA1F protein (p.Arg972Gln). The frequency data for this variant in the population databases is considered unreliable, as metrics indicate poor data quality at this position in the gnomAD database. This variant has not been reported in the literature in individuals affected with CACNA1F-related conditions. Invitae Evidence Modeling of protein sequence and biophysical properties (such as structural, functional, and spatial information, amino acid conservation, physicochemical variation, residue mobility, and thermodynamic stability) indicates that this missense variant is expected to disrupt CACNA1F protein function with a positive predictive value of 80%. In summary, the available evidence is currently insufficient to determine the role of this variant in disease. Therefore, it has been classified as a Variant of Uncertain Significance.

Institute of Human Genetics, Univ. Regensburg, Univ. Regensburg
Classification: Uncertain significance for Retinal dystrophy. Last evaluated: 2020-01-01. Review status: no assertion criteria provided. Criteria: ACMG Guidelines, 2015. Collection method: clinical testing. Allele origin: germline. Affected: yes. Not counted in ClinVar's aggregate classification.

NM_001256789.3(CACNA1F):c.2882G>A (p.Arg961Gln)

Gene: CACNA1F (calcium voltage-gated channel subunit alpha1 F; minus strand). Cytogenetic location: Xp11.23.
Variant type: single nucleotide variant.
Coding change: c.2882G>A on transcript NM_001256789.3 (MANE Select); coding-DNA position 2882, G replaced by A.
Protein change: p.Arg961Gln; replaces arginine 961 with glutamine.
Molecular consequence: missense variant.
Genome position (GRCh38, 1-based): chrX:49,218,501, C>T on the plus strand (G>A on the coding strand, the complement: CACNA1F is on the minus strand). VCF-style: chrX-49218501-C-T. GRCh37 (hg19) VCF-style: chrX-49074960-C-T.
Other names: c.2915G>A (NM_005183.2); c.2720G>A, p.Arg907Gln (NM_001256790.3); c.2915G>A, p.Arg972Gln (NM_005183.4); short protein forms R907Q, R961Q, R972Q.
Identifiers: ClinVar variation 3248912 (VCV003248912.4).
Genomic context (GRCh38, chrX:49,218,501, plus strand): 5'-TGGGGTGGGGTTACCTTGAGTCCCTTGGCCCTGTTGATGGCTCGGAGGGGCCGCAGTACT[C>T]GGAGTACTCGCAGAATCTTCACCACCGAGATGGCGCTGGAGCTGGGGAAGGGGCAATCCT-3'
Protein context (NP_001243718.1, residues 951-971): ISVVKILRVL[Arg961Gln]VLRPLRAINR